The following is an entry in ClinVar:

ClinVar aggregate classification (germline): Uncertain significance (1 of 4 stars; one submission).

gnomAD v4.1: 6 of 1,612,846 alleles (0.00037%); highest among the groups gnomAD compares: East Asian, 0.0022%; no homozygotes.

Submission:

Labcorp Genetics (formerly Invitae), Labcorp
Classification: Uncertain significance. Last evaluated: 2024-04-18. Review status: criteria provided, single submitter. Criteria: Invitae Variant Classification Sherloc (09022015). Collection method: clinical testing. Allele origin: germline.
Comment: This sequence change replaces threonine, which is neutral and polar, with methionine, which is neutral and non-polar, at codon 489 of the GATAD2B protein (p.Thr489Met). This variant is not present in population databases (gnomAD no frequency). This variant has not been reported in the literature in individuals affected with GATAD2B-related conditions. Advanced modeling of protein sequence and biophysical properties (such as structural, functional, and spatial information, amino acid conservation, physicochemical variation, residue mobility, and thermodynamic stability) performed at Invitae indicates that this missense variant is not expected to disrupt GATAD2B protein function with a negative predictive value of 80%. In summary, the available evidence is currently insufficient to determine the role of this variant in disease. Therefore, it has been classified as a Variant of Uncertain Significance.

NM_020699.4(GATAD2B):c.1466C>T (p.Thr489Met)

Gene: GATAD2B (GATA zinc finger domain containing 2B; minus strand). Cytogenetic location: 1q21.3.
Variant type: single nucleotide variant.
Coding change: c.1466C>T on transcript NM_020699.4 (MANE Select); coding-DNA position 1466, C replaced by T.
Protein change: p.Thr489Met; replaces threonine 489 with methionine.
Molecular consequence: missense variant.
Genome position (GRCh38, 1-based): chr1:153,812,086, G>A on the plus strand (C>T on the coding strand, the complement: GATAD2B is on the minus strand). VCF-style: chr1-153812086-G-A. GRCh37 (hg19) VCF-style: chr1-153784562-G-A.
Other names: short protein forms T489M.
Identifiers: ClinVar variation 3682551 (VCV003682551.2).